The following is an entry in ClinVar:

ClinVar aggregate classification (germline): Uncertain significance (1 of 4 stars; one submission).

Conditions:
Inborn genetic diseases. Identifiers: MedGen C0950123, MeSH D030342.

Submission:

Ambry Genetics
Classification: Uncertain significance for Inborn genetic diseases. Last evaluated: 2025-01-07. Review status: criteria provided, single submitter. Criteria: Ambry Variant Classification Scheme 2023. Collection method: clinical testing. Allele origin: germline.
Comment: The p.L971R variant (also known as c.2912T>G), located in coding exon 29 of the RTEL1 gene, results from a T to G substitution at nucleotide position 2912. The leucine at codon 971 is replaced by arginine, an amino acid with dissimilar properties. This amino acid position is conserved. In addition, this alteration is predicted to be tolerated by in silico analysis. Based on the available evidence, the clinical significance of this variant remains unclear.

NM_001283009.2(RTEL1):c.2912T>G (p.Leu971Arg)

Genes: RTEL1 (regulator of telomere elongation helicase 1; plus strand), RTEL1-TNFRSF6B (RTEL1-TNFRSF6B readthrough (NMD candidate); plus strand). Cytogenetic location: 20q13.33.
Variant type: single nucleotide variant.
Coding change: c.2912T>G on transcript NM_001283009.2 (MANE Select); coding-DNA position 2912, T replaced by G.
Protein change: p.Leu971Arg; replaces leucine 971 with arginine.
Molecular consequence: missense variant. On other transcripts: non-coding transcript variant (1).
Genome position (GRCh38, 1-based): chr20:63,693,203, T>G. VCF-style: chr20-63693203-T-G. GRCh37 (hg19) VCF-style: chr20-62324556-T-G.
Other names: c.2243T>G, p.Leu748Arg (NM_001283010.1); c.2912T>G, p.Leu971Arg (NM_016434.4); c.2984T>G, p.Leu995Arg (NM_032957.5); short protein forms L748R, L971R, L995R.
Identifiers: ClinVar variation 3791040 (VCV003791040.1).
Genomic context (GRCh38, chr20:63,693,203, plus strand): 5'-GCTTCTACCAGTTTGTGCGGCCCCACCATAAGCAGCAGTTTGAGGAGGTCTGTATCCAGC[T>G]GACAGGACGAGGCTGTGGCTATCGGCCTGAGCACAGCATTCCCCGAAGGCAGCGGGCACA-3'
Protein context (NP_001269938.1, residues 961-981): KQQFEEVCIQ[Leu971Arg]TGRGCGYRPE